The following is an entry in ClinVar:

NM_000017.4(ACADS):c.285C>T (p.Tyr95=)

Gene: ACADS (acyl-CoA dehydrogenase short chain; plus strand). Cytogenetic location: 12q24.31.
Variant type: single nucleotide variant.
Coding change: c.285C>T on transcript NM_000017.4 (MANE Select); coding-DNA position 285, C replaced by T.
Protein change: p.Tyr95=; no amino-acid change (tyrosine 95 retained).
Molecular consequence: synonymous variant.
Genome position (GRCh38, 1-based): chr12:120,737,060, C>T. VCF-style: chr12-120737060-C-T. GRCh37 (hg19) VCF-style: chr12-121174863-C-T.
Other names: c.285C>T, p.Tyr95= (NM_001302554.2).
Identifiers: ClinVar variation 2106917 (VCV002106917.6), dbSNP rs2501188364, ClinGen allele CA482146377.

ClinVar aggregate classification (germline): Likely benign. Review status: criteria provided, multiple submitters, no conflicts (2 of 4 stars). 2 submissions from 2 submitters: Likely benign (2). Last evaluated 2026-04-01.

Conditions:
Deficiency of butyryl-CoA dehydrogenase (ACADSD). Also called: SCAD Deficiency; SCAD DEFICIENCY, MILD; ACYL-CoA DEHYDROGENASE, SHORT-CHAIN, DEFICIENCY OF; ACADS DEFICIENCY; Short-Chain Acyl-CoA Dehydrogenase Deficiency; SCADH DEFICIENCY. Identifiers: Orphanet 26792, MedGen C0342783, MONDO:0008722, OMIM 201470. Disease mechanism: May be benign.

Submissions (2):

CeGaT Center for Human Genetics Tuebingen
Classification: Likely benign. Last evaluated: 2026-04-01. Review status: criteria provided, single submitter. Criteria: CeGaT Center For Human Genetics Tuebingen Variant Classification Criteria Version 2. Collection method: clinical testing. Allele origin: germline. Affected: yes. Observed: 1 variant allele.
Comment: ACADS: PM2:Supporting, BP4, BP7

Labcorp Genetics (formerly Invitae), Labcorp
Classification: Likely benign for Deficiency of butyryl-CoA dehydrogenase. Last evaluated: 2022-08-16. Review status: criteria provided, single submitter. Criteria: Invitae Variant Classification Sherloc (09022015). Collection method: clinical testing. Allele origin: germline.